The following is an entry in ClinVar:

ClinVar aggregate classification (germline): Uncertain significance. Review status: criteria provided, multiple submitters, no conflicts (2 of 4 stars). 2 submissions from 2 submitters: Uncertain significance (2). Last evaluated 2024-12-14.

Conditions:
Hereditary spastic paraplegia 63. Also called: Spastic paraplegia 63, autosomal recessive. Identifiers: Orphanet 401805, MedGen C3810295, MONDO:0014305, OMIM 615686.
Pontocerebellar hypoplasia type 9. Identifiers: Orphanet 369920, MedGen C4014354, MONDO:0014351, OMIM 615809.

Allele frequency attached by ClinVar (database versions not stated): ExAC 0.00002; gnomAD 0.00005; 1000 Genomes Project 0.00020; 1000 Genomes Project 30x 0.00031.

Submissions (2):

Women's Health and Genetics/Laboratory Corporation of America, LabCorp
Classification: Uncertain significance. Last evaluated: 2024-12-14. Review status: criteria provided, single submitter. Criteria: LabCorp Variant Classification Summary - May 2015. Collection method: clinical testing. Allele origin: germline.

Labcorp Genetics (formerly Invitae), Labcorp
Classification: Uncertain significance for Pontocerebellar hypoplasia type 9; Hereditary spastic paraplegia 63. Last evaluated: 2022-04-03. Review status: criteria provided, single submitter. Criteria: Invitae Variant Classification Sherloc (09022015). Collection method: clinical testing. Allele origin: germline.
Comment: This sequence change falls in intron 10 of the AMPD2 gene. It does not directly change the encoded amino acid sequence of the AMPD2 protein. It affects a nucleotide within the consensus splice site. This variant is present in population databases (rs540253647, gnomAD 0.01%). This variant has not been reported in the literature in individuals affected with AMPD2-related conditions. Variants that disrupt the consensus splice site are a relatively common cause of aberrant splicing (PMID: 17576681, 9536098). Algorithms developed to predict the effect of sequence changes on RNA splicing suggest that this variant is not likely to affect RNA splicing. In summary, the available evidence is currently insufficient to determine the role of this variant in disease. Therefore, it has been classified as a Variant of Uncertain Significance.

Literature cited by the submitters: PubMed 17576681 (cited by Labcorp Genetics (formerly Invitae), Labcorp); PubMed 9536098 (cited by Labcorp Genetics (formerly Invitae), Labcorp).

NM_001368809.2(AMPD2):c.1080+3G>A

Genes: AMPD2 (adenosine monophosphate deaminase 2; plus strand), LOC126805822 (BRD4-independent group 4 enhancer GRCh37_chr1:110170748-110171947; plus strand). Cytogenetic location: 1p13.3.
Variant type: single nucleotide variant.
Coding change: c.1080+3G>A on transcript NM_001368809.2 (MANE Select); 3 bases into the intron after coding-DNA position 1080, G replaced by A.
Molecular consequence: intron variant.
Genome position (GRCh38, 1-based): chr1:109,627,906, G>A. VCF-style: chr1-109627906-G-A. GRCh37 (hg19) VCF-style: chr1-110170528-G-A.
Other names: c.999+3G>A (NM_139156.4); c.1017+3G>A (NM_001308170.1); c.1080+3G>A (NM_004037.9); c.888+3G>A (NM_001257361.2).
Identifiers: ClinVar variation 1929940 (VCV001929940.5), dbSNP rs540253647, ClinGen allele CA993006.